The following is an entry in ClinVar:

ClinVar aggregate classification (germline): Uncertain significance (1 of 4 stars; one submission).

Allele frequency attached by ClinVar (database versions not stated): TOPMed below 0.00001; ExAC 0.00001; gnomAD 0.00001.
gnomAD v4.1: 1 of 1,613,860 alleles (0.000062%); highest among the groups gnomAD compares: African/African-American, 0.0013%; no homozygotes.

Submission:

Labcorp Genetics (formerly Invitae), Labcorp
Classification: Uncertain significance. Last evaluated: 2022-07-05. Review status: criteria provided, single submitter. Criteria: Invitae Variant Classification Sherloc (09022015). Collection method: clinical testing. Allele origin: germline.
Comment: In summary, the available evidence is currently insufficient to determine the role of this variant in disease. Therefore, it has been classified as a Variant of Uncertain Significance. Algorithms developed to predict the effect of missense changes on protein structure and function (SIFT, PolyPhen-2, Align-GVGD) all suggest that this variant is likely to be disruptive. This variant has not been reported in the literature in individuals affected with PITPNM3-related conditions. This variant is not present in population databases (gnomAD no frequency). This sequence change replaces histidine, which is basic and polar, with arginine, which is basic and polar, at codon 135 of the PITPNM3 protein (p.His135Arg).

NM_031220.4(PITPNM3):c.404A>G (p.His135Arg)

Gene: PITPNM3 (PITPNM family member 3; minus strand). Cytogenetic location: 17p13.2.
Variant type: single nucleotide variant.
Coding change: c.404A>G on transcript NM_031220.4 (MANE Select); coding-DNA position 404, A replaced by G.
Protein change: p.His135Arg; replaces histidine 135 with arginine.
Molecular consequence: missense variant.
Genome position (GRCh38, 1-based): chr17:6,483,700, T>C on the plus strand (A>G on the coding strand, the complement: PITPNM3 is on the minus strand). VCF-style: chr17-6483700-T-C. GRCh37 (hg19) VCF-style: chr17-6387020-T-C.
Other names: c.296A>G, p.His99Arg (NM_001165966.2); short protein forms H99R, H135R.
Identifiers: ClinVar variation 1954810 (VCV001954810.5), dbSNP rs779983015, ClinGen allele CA8329833.